The following is an entry in ClinVar:

ClinVar aggregate classification (germline): Likely benign (0 of 4 stars; one submission).

Conditions:
GYS2-related disorder. Also called: GYS2-related condition.

gnomAD v4.1: 11 of 1,594,610 alleles (0.00069%); highest among the groups gnomAD compares: Non-Finnish European, 0.00086%; no homozygotes.

Submission:

PreventionGenetics, part of Exact Sciences
Classification: Likely benign for GYS2-related condition. Last evaluated: 2019-06-14. Review status: no assertion criteria provided. Collection method: clinical testing. Allele origin: germline.
Comment: This variant is classified as likely benign based on ACMG/AMP sequence variant interpretation guidelines (Richards et al. 2015 PMID: 25741868, with internal and published modifications).

NM_021957.4(GYS2):c.1191G>A (p.Lys397=)

Gene: GYS2 (glycogen synthase 2; minus strand). Cytogenetic location: 12p12.1.
Variant type: single nucleotide variant.
Coding change: c.1191G>A on transcript NM_021957.4 (MANE Select); coding-DNA position 1191, G replaced by A.
Protein change: p.Lys397=; no amino-acid change (lysine 397 retained).
Molecular consequence: synonymous variant.
Genome position (GRCh38, 1-based): chr12:21,559,689, C>T on the plus strand (G>A on the coding strand, the complement: GYS2 is on the minus strand). VCF-style: chr12-21559689-C-T. GRCh37 (hg19) VCF-style: chr12-21712623-C-T.
Identifiers: ClinVar variation 3352145 (VCV003352145.1).